The following is an entry in ClinVar:

NM_001035.3(RYR2):c.1006-44_1007delinsATTTTG

Gene: RYR2 (ryanodine receptor 2; plus strand). Cytogenetic location: 1q43.
Variant type: Indel.
Coding change: c.1006-44_1007delinsATTTTG on transcript NM_001035.3 (MANE Select); 44 bases into the intron before coding-DNA position 1006 through coding-DNA position 1007, the reference bases replaced by ATTTTG.
Molecular consequence: splice acceptor variant.
Genome position (GRCh38, 1-based): chr1:237,441,275-237,441,320, 46 bases replaced. GRCh37 (hg19): chr1:237,604,575-237,604,620.
Identifiers: ClinVar variation 3901845 (VCV003901845.1).

ClinVar aggregate classification (germline): Likely pathogenic (1 of 4 stars; one submission).

Conditions:
Catecholaminergic polymorphic ventricular tachycardia 1. Also called: VENTRICULAR TACHYCARDIA, STRESS-INDUCED POLYMORPHIC 1; VENTRICULAR TACHYCARDIA, CATECHOLAMINERGIC POLYMORPHIC, 1, WITH OR WITHOUT ATRIAL DYSFUNCTION AND/OR DILATED CARDIOMYOPATHY; RYR2-Related Catecholaminergic Polymorphic Ventricular Tachycardia. Identifiers: Orphanet 3286, MedGen C1631597, MONDO:0011484, OMIM 604772.

Submission:

Department of Laboratory Medicine and Genetics, Samsung Medical Center
Classification: Likely pathogenic for Catecholaminergic polymorphic ventricular tachycardia 1. Last evaluated: 2025-02-22. Review status: criteria provided, single submitter. Criteria: ACMG Guidelines, 2015. Collection method: clinical testing. Allele origin: maternal. Inheritance: Autosomal dominant inheritance. Affected: yes. Observed: 1 heterozygote.
Comment: The NM_001035.3:c.1006-44_1007delinsATTTTG is considered to be rare in the general population database (gnomAD v2.1.1). This variant was found in two members of a family affected by catecholaminergic polymorphic ventricular tachycardia (CPVT) and not found in unaffected family members. This variant is predicted to be deleterious by in-silico analysis (SpliceAI). RNA analysis that was performed at Samsung Medical Center revealed that this variant caused aberrant splicing, resulting in the skipping of exon 13 (r.1006_1170del), which would disrupt the intramolecular domain interactions. In summary, this variant was classified as a likely pathogenic variant for CPVT (PVS1_S, PM2, PP1).